The following is an entry in ClinVar:

ClinVar aggregate classification (germline): Uncertain significance (1 of 4 stars; one submission).

Submission:

Ambry Genetics
Classification: Uncertain significance. Last evaluated: 2021-12-01. Review status: criteria provided, single submitter. Criteria: Ambry Variant Classification Scheme 2023. Collection method: clinical testing. Allele origin: germline.
Comment: The p.T1887S variant (also known as c.5660C>G), located in coding exon 7 of the ALPK2 gene, results from a C to G substitution at nucleotide position 5660. The threonine at codon 1887 is replaced by serine, an amino acid with similar properties. This amino acid position is conserved. In addition, this alteration is predicted to be tolerated by in silico analysis. Since supporting evidence is limited at this time, the clinical significance of this alteration remains unclear.

NM_052947.4(ALPK2):c.5660C>G (p.Thr1887Ser)

Gene: ALPK2 (alpha kinase 2; minus strand). Cytogenetic location: 18q21.31.
Variant type: single nucleotide variant.
Coding change: c.5660C>G on transcript NM_052947.4 (MANE Select); coding-DNA position 5660, C replaced by G.
Protein change: p.Thr1887Ser; replaces threonine 1887 with serine.
Molecular consequence: missense variant.
Genome position (GRCh38, 1-based): chr18:58,523,811, G>C on the plus strand (C>G on the coding strand, the complement: ALPK2 is on the minus strand). VCF-style: chr18-58523811-G-C. GRCh37 (hg19) VCF-style: chr18-56191043-G-C.
Other names: short protein forms T1887S.
Identifiers: ClinVar variation 1748921 (VCV001748921.2), dbSNP rs1452597904, ClinGen allele CA402550430.